The following is an entry in ClinVar:

ClinVar aggregate classification (germline): Uncertain significance (1 of 4 stars; one submission).

Allele frequency attached by ClinVar (database versions not stated): TOPMed below 0.00001; gnomAD 0.00001; ExAC 0.00003; gnomAD exomes 0.00003.
gnomAD v4.1: 42 of 1,613,504 alleles (0.0026%); highest among the groups gnomAD compares: South Asian, 0.0077%; no homozygotes.

Submission:

Labcorp Genetics (formerly Invitae), Labcorp
Classification: Uncertain significance. Last evaluated: 2022-05-07. Review status: criteria provided, single submitter. Criteria: Invitae Variant Classification Sherloc (09022015). Collection method: clinical testing. Allele origin: germline.
Comment: This variant is present in population databases (rs757015873, gnomAD 0.01%). In summary, the available evidence is currently insufficient to determine the role of this variant in disease. Therefore, it has been classified as a Variant of Uncertain Significance. Algorithms developed to predict the effect of missense changes on protein structure and function are either unavailable or do not agree on the potential impact of this missense change (SIFT: "Deleterious"; PolyPhen-2: "Benign"; Align-GVGD: "Class C0"). This variant has not been reported in the literature in individuals affected with RHOBTB2-related conditions. This sequence change replaces arginine, which is basic and polar, with cysteine, which is neutral and slightly polar, at codon 385 of the RHOBTB2 protein (p.Arg385Cys).

NM_015178.3(RHOBTB2):c.1087C>T (p.Arg363Cys)

Gene: RHOBTB2 (Rho related BTB domain containing 2; plus strand). Cytogenetic location: 8p21.3.
Variant type: single nucleotide variant.
Coding change: c.1087C>T on transcript NM_015178.3 (MANE Select); coding-DNA position 1087, C replaced by T.
Protein change: p.Arg363Cys; replaces arginine 363 with cysteine.
Molecular consequence: missense variant.
Genome position (GRCh38, 1-based): chr8:23,007,332, C>T. VCF-style: chr8-23007332-C-T. GRCh37 (hg19) VCF-style: chr8-22864845-C-T.
Other names: c.1153C>T, p.Arg385Cys (NM_001160036.2); c.1108C>T, p.Arg370Cys (NM_001160037.2); c.1087C>T, p.Arg363Cys (NM_001374791.1); short protein forms R385C, R363C, R370C.
Identifiers: ClinVar variation 1992070 (VCV001992070.4), dbSNP rs757015873, ClinGen allele CA4672599.